The following is an entry in ClinVar:

NM_020366.4(RPGRIP1):c.1077+3A>G

Gene: RPGRIP1 (RPGR interacting protein 1; plus strand). Cytogenetic location: 14q11.2.
Variant type: single nucleotide variant.
Coding change: c.1077+3A>G on transcript NM_020366.4 (MANE Select); 3 bases into the intron after coding-DNA position 1077, A replaced by G.
Molecular consequence: intron variant.
Genome position (GRCh38, 1-based): chr14:21,311,973, A>G. VCF-style: chr14-21311973-A-G. GRCh37 (hg19) VCF-style: chr14-21780132-A-G.
Identifiers: ClinVar variation 2137548 (VCV002137548.4), dbSNP rs374911554, ClinGen allele CA7088855.
Genomic context (GRCh38, chr14:21,311,973, plus strand): 5'-TGTGAGCTTGAAGAGCCAACTGGAAGATGTGTCTATCTTGCAGATGACTCTGAAGGAGGT[A>G]AATAATAATAGTTGAAAGATACCATCTACATTTCAACTTCAGGGATGTTAGAATGTGTAT-3'

ClinVar aggregate classification (germline): Uncertain significance (1 of 4 stars; one submission).

Conditions:
Leber congenital amaurosis 6 (LCA6). Identifiers: Orphanet 65, MedGen C1854260, MONDO:0013446, OMIM 613826.
Cone-rod dystrophy 13 (CORD13). Identifiers: Orphanet 1872, MedGen C2750720, MONDO:0011987, OMIM 608194.

Allele frequency attached by ClinVar (database versions not stated): TOPMed below 0.00001; ExAC 0.00001; gnomAD 0.00001; ESP Exome Variant Server 0.00008.
gnomAD v4.1: 1 of 1,610,826 alleles (0.000062%); highest among the groups gnomAD compares: African/African-American, 0.0013%; no homozygotes.

Submission:

Labcorp Genetics (formerly Invitae), Labcorp
Classification: Uncertain significance for Leber congenital amaurosis 6; Cone-rod dystrophy 13. Last evaluated: 2022-05-12. Review status: criteria provided, single submitter. Criteria: Invitae Variant Classification Sherloc (09022015). Collection method: clinical testing. Allele origin: germline.
Comment: This sequence change falls in intron 8 of the RPGRIP1 gene. It does not directly change the encoded amino acid sequence of the RPGRIP1 protein. It affects a nucleotide within the consensus splice site. This variant is not present in population databases (gnomAD no frequency). This variant has been observed in individual(s) with RPGRIP1-related conditions (PMID: 15024725). Variants that disrupt the consensus splice site are a relatively common cause of aberrant splicing (PMID: 17576681, 9536098). Algorithms developed to predict the effect of sequence changes on RNA splicing suggest that this variant is not likely to affect RNA splicing. In summary, the available evidence is currently insufficient to determine the role of this variant in disease. Therefore, it has been classified as a Variant of Uncertain Significance.

Literature cited by the submitters: PubMed 15024725; PubMed 17576681; PubMed 9536098.